The following is an entry in ClinVar:

NM_001904.4(CTNNB1):c.1765G>A (p.Val589Ile)

Gene: CTNNB1 (catenin beta 1; plus strand). Cytogenetic location: 3p22.1.
Variant type: single nucleotide variant.
Coding change: c.1765G>A on transcript NM_001904.4 (MANE Select); coding-DNA position 1765, G replaced by A.
Protein change: p.Val589Ile; replaces valine 589 with isoleucine.
Molecular consequence: missense variant.
Genome position (GRCh38, 1-based): chr3:41,235,805, G>A. VCF-style: chr3-41235805-G-A. GRCh37 (hg19) VCF-style: chr3-41277296-G-A.
Other names: c.1765G>A, p.Val589Ile (NM_001098209.2, NM_001098210.2); c.1744G>A, p.Val582Ile (NM_001330729.2); short protein forms V582I, V589I.
Identifiers: ClinVar variation 2706932 (VCV002706932.3), dbSNP rs2125644928, ClinGen allele CA352235737.

ClinVar aggregate classification (germline): Uncertain significance (1 of 4 stars; one submission).

Submission:

Labcorp Genetics (formerly Invitae), Labcorp
Classification: Uncertain significance. Last evaluated: 2024-01-07. Review status: criteria provided, single submitter. Criteria: Invitae Variant Classification Sherloc (09022015). Collection method: clinical testing. Allele origin: germline.
Comment: This sequence change replaces valine, which is neutral and non-polar, with isoleucine, which is neutral and non-polar, at codon 589 of the CTNNB1 protein (p.Val589Ile). This variant is not present in population databases (gnomAD no frequency). This variant has not been reported in the literature in individuals affected with CTNNB1-related conditions. Advanced modeling of protein sequence and biophysical properties (such as structural, functional, and spatial information, amino acid conservation, physicochemical variation, residue mobility, and thermodynamic stability) performed at Invitae indicates that this missense variant is not expected to disrupt CTNNB1 protein function with a negative predictive value of 80%. In summary, the available evidence is currently insufficient to determine the role of this variant in disease. Therefore, it has been classified as a Variant of Uncertain Significance.